The following is an entry in ClinVar:

ClinVar aggregate classification (germline): Pathogenic (1 of 4 stars; one submission).

Conditions:
Familial adenomatous polyposis 1 (FAP1). Also called: POLYPOSIS, ADENOMATOUS INTESTINAL; FAMILIAL ADENOMATOUS POLYPOSIS 1, ATTENUATED. Identifiers: MedGen C2713442, MONDO:0021056, OMIM 175100. Disease mechanism: loss of function.

Submission:

Myriad Genetics, Inc.
Classification: Pathogenic for Familial adenomatous polyposis 1. Last evaluated: 2023-05-16. Review status: criteria provided, single submitter. Criteria: Myriad Autosomal Dominant, Autosomal Recessive and X-Linked Classification Criteria (2023). Collection method: clinical testing. Allele origin: unknown.
Comment: This variant is considered pathogenic. This variant creates a frameshift predicted to result in premature protein truncation.

NM_000038.6(APC):c.6985dup (p.Ile2329fs)

Gene: APC (APC regulator of Wnt signaling pathway; plus strand). Cytogenetic location: 5q22.2.
Variant type: Duplication.
Coding change: c.6985dup on transcript NM_000038.6 (MANE Select); coding-DNA position 6985, one base duplicated (A; older notation c.6985dupA).
Protein change: p.Ile2329fs; shifts the reading frame from isoleucine 2329.
Molecular consequence: frameshift variant. On other transcripts: non-coding transcript variant (2).
Genome position (GRCh38, 1-based): chr5:112,842,579, A duplicated; the last of 2 consecutive A bases (chr5:112,842,578-112,842,579); duplicating either gives the same sequence. VCF-style (leftmost placement, unchanged base first): chr5-112842577-C-CA. GRCh37 (hg19) VCF-style: chr5-112178274-C-CA.
Other names: c.6985dup, p.Ile2329fs (NM_001127510.3, NM_001354895.2, NM_001407450.1); c.6931dup, p.Ile2311fs (NM_001127511.3); c.7039dup, p.Ile2347fs (NM_001354896.2, NM_001407447.1, NM_001407448.1 and 1 more transcripts); c.7015dup, p.Ile2339fs (NM_001354897.2); c.6910dup, p.Ile2304fs (NM_001354898.2); c.6901dup, p.Ile2301fs (NM_001354899.2); c.6862dup, p.Ile2288fs (NM_001354900.2); c.6808dup, p.Ile2270fs (NM_001354901.2, NM_001407453.1); and 11 more; short protein forms I1945fs, I2046fs, I2169fs, I2200fs, I2203fs, I2228fs, I2238fs, I2246fs.
Identifiers: ClinVar variation 2583250 (VCV002583250.1), dbSNP rs2533759176, ClinGen allele CA2582341617.
Genomic context (GRCh38, chr5:112,842,577, plus strand): 5'-CCCCTTCAAGACCTGCCCAGCAACCATTAAGTAGACCTATACAGTCTCCTGGCCGAAACT[C>CA]AATTTCCCCTGGTAGAAATGGAATAAGTCCTCCTAACAAATTATCTCAACTTCCAAGGAC-3'